The following is an entry in ClinVar:

ClinVar aggregate classification (germline): Uncertain significance. Review status: criteria provided, multiple submitters, no conflicts (2 of 4 stars). 3 submissions from 3 submitters: Uncertain significance (3). Last evaluated 2025-09-10.

Conditions:
Arrhythmogenic right ventricular dysplasia 9 (ARVD9). Also called: Arrhythmogenic Right Ventricular Dysplasia/Cardiomyopathy 9; ARRHYTHMOGENIC RIGHT VENTRICULAR DYSPLASIA, FAMILIAL, 9. Identifiers: MedGen C1836906, MONDO:0012180, OMIM 609040.
Cardiovascular phenotype. Identifiers: MedGen CN230736.

Allele frequency attached by ClinVar (database versions not stated): gnomAD exomes below 0.00001.
gnomAD v4.1: 2 of 1,613,904 alleles (0.00012%); highest among the groups gnomAD compares: South Asian, 0.0022%; no homozygotes.

Submissions (3):

Labcorp Genetics (formerly Invitae), Labcorp
Classification: Uncertain significance for Arrhythmogenic right ventricular dysplasia 9. Last evaluated: 2025-09-10. Review status: criteria provided, single submitter. Criteria: Invitae Variant Classification Sherloc (09022015). Collection method: clinical testing. Allele origin: germline.
Comment: This sequence change replaces leucine, which is neutral and non-polar, with phenylalanine, which is neutral and non-polar, at codon 394 of the PKP2 protein (p.Leu394Phe). This variant is not present in population databases (gnomAD no frequency). This variant has not been reported in the literature in individuals affected with PKP2-related conditions. ClinVar contains an entry for this variant (Variation ID: 308512). An algorithm developed to predict the effect of missense changes on protein structure and function (PolyPhen-2) suggests that this variant is likely to be disruptive. In summary, the available evidence is currently insufficient to determine the role of this variant in disease. Therefore, it has been classified as a Variant of Uncertain Significance.

Ambry Genetics
Classification: Uncertain significance for Cardiovascular phenotype. Last evaluated: 2025-08-12. Review status: criteria provided, single submitter. Criteria: Ambry Variant Classification Scheme 2023. Collection method: clinical testing. Allele origin: germline.

Illumina Laboratory Services, Illumina
Classification: Uncertain significance for Arrhythmogenic right ventricular dysplasia 9. Last evaluated: 2018-01-13. Review status: criteria provided, single submitter. Criteria: ICSL Variant Classification Criteria 13 December 2019. Collection method: clinical testing. Allele origin: germline.

NM_001005242.3(PKP2):c.1180C>T (p.Leu394Phe)

Gene: PKP2 (plakophilin 2; minus strand). Cytogenetic location: 12p11.21.
Variant type: single nucleotide variant.
Coding change: c.1180C>T on transcript NM_001005242.3 (MANE Select); coding-DNA position 1180, C replaced by T.
Protein change: p.Leu394Phe; replaces leucine 394 with phenylalanine.
Molecular consequence: missense variant.
Genome position (GRCh38, 1-based): chr12:32,850,964, G>A on the plus strand (C>T on the coding strand, the complement: PKP2 is on the minus strand). VCF-style: chr12-32850964-G-A. GRCh37 (hg19) VCF-style: chr12-33003898-G-A.
Other names: c.1180C>T, p.Leu394Phe (NM_004572.4); short protein forms L394F.
Identifiers: ClinVar variation 308512 (VCV000308512.7), dbSNP rs886049321, ClinGen allele CA10632644.